The following is an entry in ClinVar:

ClinVar aggregate classification (germline): Benign (1 of 4 stars; one submission).

Conditions:
PDCD1-related disorder. Also called: PDCD1-related condition.

gnomAD v4.1: 1,937 of 1,611,360 alleles (0.12%); highest among the groups gnomAD compares: African/African-American, 1.9%; 20 homozygotes.

Submission:

PreventionGenetics, part of Exact Sciences
Classification: Benign for PDCD1-related condition. Last evaluated: 2025-04-02. Review status: criteria provided, single submitter. Criteria: ACMG Guidelines, 2015. Collection method: clinical testing. Allele origin: germline.
Comment: This variant is classified as benign based on ACMG/AMP sequence variant interpretation guidelines (Richards et al. 2015 PMID: 25741868, with internal and published modifications).

NM_005018.3(PDCD1):c.532C>T (p.Leu178=)

Gene: PDCD1 (programmed cell death 1; minus strand). Cytogenetic location: 2q37.3.
Variant type: single nucleotide variant.
Coding change: c.532C>T on transcript NM_005018.3 (MANE Select); coding-DNA position 532, C replaced by T.
Protein change: p.Leu178=; no amino-acid change (leucine 178 retained).
Molecular consequence: synonymous variant.
Genome position (GRCh38, 1-based): chr2:241,852,258, G>A on the plus strand (C>T on the coding strand, the complement: PDCD1 is on the minus strand). VCF-style: chr2-241852258-G-A. GRCh37 (hg19) VCF-style: chr2-242794410-G-A.
Identifiers: ClinVar variation 4981853 (VCV004981853.1).
Genomic context (GRCh38, chr2:241,852,258, plus strand): 5'-CTCGTGCGGCCCGGGAGCAGATGACGGCCAGGACCCAGACTAGCAGCACCAGGCTGCCCA[G>A]CAGGCCGCCCACGACACCAACCACCAGGGTTTGGAACTGGCCGGCTGGCCTGGGTGAGGG-3'
Protein context (NP_005009.2, residues 168-188): TLVVGVVGGL[Leu178=]GSLVLLVWVL